The following is an entry in ClinVar:

NM_000337.6(SGCD):c.556G>T (p.Asp186Tyr)

Gene: SGCD (sarcoglycan delta; plus strand). Cytogenetic location: 5q33.3.
Variant type: single nucleotide variant.
Coding change: c.556G>T on transcript NM_000337.6 (MANE Select); coding-DNA position 556, G replaced by T.
Protein change: p.Asp186Tyr; replaces aspartic acid 186 with tyrosine.
Molecular consequence: missense variant.
Genome position (GRCh38, 1-based): chr5:156,647,517, G>T. VCF-style: chr5-156647517-G-T. GRCh37 (hg19) VCF-style: chr5-156074527-G-T.
Other names: c.553G>T, p.Asp185Tyr (NM_001128209.2); c.556G>T, p.Asp186Tyr (NM_172244.3); short protein forms D186Y, D185Y.
Identifiers: ClinVar variation 3953210 (VCV003953210.2).
Genomic context (GRCh38, chr5:156,647,517, plus strand): 5'-TTTACAGGAGCGGAGGGCACAGTGTTCCCTAAATCTATAGAAACACCTAATGTCAGGGCA[G>T]ACCCCTTCAAAGAACTAAGGTAAACTTCTGACTTTGGTTTGCATTGATTAATGGCTATTG-3'
Protein context (NP_000328.2, residues 176-196): KSIETPNVRA[Asp186Tyr]PFKELRLESP

ClinVar aggregate classification (germline): Uncertain significance. Review status: criteria provided, multiple submitters, no conflicts (2 of 4 stars). 2 submissions from 2 submitters: Uncertain significance (2). Last evaluated 2025-04-19.

Conditions:
Inborn genetic diseases. Identifiers: MedGen C0950123, MeSH D030342.

Submissions (2):

Ambry Genetics
Classification: Uncertain significance for Inborn genetic diseases. Last evaluated: 2025-04-19. Review status: criteria provided, single submitter. Criteria: Ambry Variant Classification Scheme 2023. Collection method: clinical testing. Allele origin: germline.
Comment: The p.D186Y variant (also known as c.556G>T), located in coding exon 6 of the SGCD gene, results from a G to T substitution at nucleotide position 556. The aspartic acid at codon 186 is replaced by tyrosine, an amino acid with highly dissimilar properties. This amino acid position is conserved. In addition, the in silico prediction for this alteration is inconclusive. Based on the available evidence, the clinical significance of this variant remains unclear.

Revvity Omics, Revvity
Classification: Uncertain significance. Last evaluated: 2024-07-29. Review status: criteria provided, single submitter. Criteria: ACMG Guidelines, 2015. Collection method: clinical testing. Allele origin: germline.